The following is an entry in ClinVar:

ClinVar aggregate classification (germline): Uncertain significance. Review status: criteria provided, multiple submitters, no conflicts (2 of 4 stars). 2 submissions from 2 submitters: Uncertain significance (2). Last evaluated 2025-11-26.

Conditions:
Inborn genetic diseases. Identifiers: MedGen C0950123, MeSH D030342.

Allele frequency attached by ClinVar (database versions not stated): TOPMed below 0.00001.

Submissions (2):

Ambry Genetics
Classification: Uncertain significance for Inborn genetic diseases. Last evaluated: 2025-11-26. Review status: criteria provided, single submitter. Criteria: Ambry Variant Classification Scheme 2023. Collection method: clinical testing. Allele origin: germline.

Labcorp Genetics (formerly Invitae), Labcorp
Classification: Uncertain significance. Last evaluated: 2024-06-29. Review status: criteria provided, single submitter. Criteria: Invitae Variant Classification Sherloc (09022015). Collection method: clinical testing. Allele origin: germline.
Comment: This sequence change replaces glutamine, which is neutral and polar, with arginine, which is basic and polar, at codon 79 of the NEUROD1 protein (p.Gln79Arg). This variant is not present in population databases (gnomAD no frequency). This variant has not been reported in the literature in individuals affected with NEUROD1-related conditions. ClinVar contains an entry for this variant (Variation ID: 1924872). Advanced modeling of protein sequence and biophysical properties (such as structural, functional, and spatial information, amino acid conservation, physicochemical variation, residue mobility, and thermodynamic stability) performed at Invitae indicates that this missense variant is not expected to disrupt NEUROD1 protein function with a negative predictive value of 80%. In summary, the available evidence is currently insufficient to determine the role of this variant in disease. Therefore, it has been classified as a Variant of Uncertain Significance.

NM_002500.5(NEUROD1):c.236A>G (p.Gln79Arg)

Gene: NEUROD1 (neuronal differentiation 1; minus strand). Cytogenetic location: 2q31.3.
Variant type: single nucleotide variant.
Coding change: c.236A>G on transcript NM_002500.5 (MANE Select); coding-DNA position 236, A replaced by G.
Protein change: p.Gln79Arg; replaces glutamine 79 with arginine.
Molecular consequence: missense variant.
Genome position (GRCh38, 1-based): chr2:181,678,625, T>C on the plus strand (A>G on the coding strand, the complement: NEUROD1 is on the minus strand). VCF-style: chr2-181678625-T-C. GRCh37 (hg19) VCF-style: chr2-182543352-T-C.
Other names: short protein forms Q79R.
Identifiers: ClinVar variation 1924872 (VCV001924872.7), dbSNP rs1688637067, ClinGen allele CA349786741.